The following is an entry in ClinVar:

NM_000169.3(GLA):c.103G>C (p.Gly35Arg)

Genes: GLA (galactosidase alpha; minus strand), RPL36A-HNRNPH2 (RPL36A-HNRNPH2 readthrough; plus strand). Cytogenetic location: Xq22.1.
Variant type: single nucleotide variant.
Coding change: c.103G>C on transcript NM_000169.3 (MANE Select); coding-DNA position 103, G replaced by C.
Protein change: p.Gly35Arg; replaces glycine 35 with arginine.
Molecular consequence: missense variant. On other transcripts: non-coding transcript variant (3), intron variant (2).
Genome position (GRCh38, 1-based): chrX:101,407,801, C>G on the plus strand (G>C on the coding strand, the complement: GLA is on the minus strand). VCF-style: chrX-101407801-C-G. GRCh37 (hg19) VCF-style: chrX-100662789-C-G.
Other names: c.103G>C, p.Gly35Arg (NM_001406747.1, NM_001406748.1, NM_001406749.1); c.301-4135C>G (NM_001199973.2); c.178-4135C>G (NM_001199974.2); short protein forms G35R.
Identifiers: ClinVar variation 4087481 (VCV004087481.2).

ClinVar aggregate classification (germline): Likely pathogenic (1 of 4 stars; one submission).

Conditions:
Fabry disease. Also called: ALPHA-GALACTOSIDASE A DEFICIENCY; ANDERSON-FABRY DISEASE; CERAMIDE TRIHEXOSIDASE DEFICIENCY; GLA DEFICIENCY; HEREDITARY DYSTOPIC LIPIDOSIS; Angiokeratoma corporis diffusum. Identifiers: Orphanet 324, MedGen C0002986, MONDO:0010526, OMIM 301500, HP:0001071. Disease mechanism: Fabry disease is due to inactivating mutations in the X-linked GLA gene resulting in deficiency of the enzyme Alpha Galactosidase-A., loss of function.

Submission:

Genomenon, Inc
Classification: Likely pathogenic for Fabry disease. Last evaluated: 2026-09-08. Review status: criteria provided, single submitter. Criteria: Genomenon Sequence Variant Interpretation Standards - Updated. Collection method: curation. Allele origin: germline. Affected: yes.
Comment: GLA p.Gly35Arg (c.103G>C) is a missense variant that changes the amino acid at codon 35 from Glycine to Arginine. This variant has been observed in at least one proband with clinical features consistent with Fabry disease (PMID:27560961;30261035). The variant was found to segregate with disease in at least one affected family (PMID:27560961). Functional or patient cell studies have been reported (PMID:23935525). It is absent or not present at a significant frequency in gnomAD. In silico models predict that this variant is possibly or probably damaging. In conclusion, we classify GLA p.Gly35Arg (c.103G>C) as a likely pathogenic variant.

Literature cited by the submitters: PubMed 27560961; PubMed 30261035; PubMed 23935525.